The following is an entry in ClinVar:

Conditions:
Long QT syndrome 5 (LQT5). Identifiers: Orphanet 101016, Orphanet 768, MedGen C1867904, MONDO:0013372, OMIM 613695.

Submission:

Roden Lab, Vanderbilt University Medical Center
No classification provided (evidence only). Condition: Long QT syndrome 5. Review status: no classification provided. Collection method: in vitro. Allele origin: not applicable. Functional consequence: Effect on ion channel function.
ClinVar note: "not provided" was previously submitted as the classification for the variant. However, the classification appeared to be based only on an observation of functional data so it was converted to no classification on 2025-07-30.

NM_000219.6(KCNE1):c.228C>T (p.Asp76=)

Gene: KCNE1 (potassium voltage-gated channel subfamily E regulatory subunit 1; minus strand). Cytogenetic location: 21q22.12.
Variant type: single nucleotide variant.
Coding change: c.228C>T on transcript NM_000219.6 (MANE Select); coding-DNA position 228, C replaced by T.
Protein change: p.Asp76=; no amino-acid change (aspartic acid 76 retained).
Molecular consequence: synonymous variant.
Genome position (GRCh38, 1-based): chr21:34,449,407, G>A on the plus strand (C>T on the coding strand, the complement: KCNE1 is on the minus strand). VCF-style: chr21-34449407-G-A. GRCh37 (hg19) VCF-style: chr21-35821705-G-A.
Other names: c.228C>T, p.Asp76= (NM_001127668.4, NM_001127669.4, NM_001127670.4 and 4 more transcripts).
Identifiers: ClinVar variation 3374379 (VCV003374379.2).